The following is an entry in ClinVar:

NM_001005373.4(LRSAM1):c.252+1G>A

Gene: LRSAM1 (leucine rich repeat and sterile alpha motif containing 1; plus strand). Cytogenetic location: 9q33.3.
Variant type: single nucleotide variant.
Coding change: c.252+1G>A on transcript NM_001005373.4 (MANE Select); the canonical splice donor site of the intron after coding-DNA position 252, G replaced by A.
Molecular consequence: splice donor variant.
Genome position (GRCh38, 1-based): chr9:127,457,394, G>A. VCF-style: chr9-127457394-G-A. GRCh37 (hg19) VCF-style: chr9-130219673-G-A.
Other names: c.252+1G>A (NM_138361.5, NM_001384142.1, NM_001384143.1 and 2 more transcripts); c.-533+1G>A (NM_001384144.1).
Identifiers: ClinVar variation 540001 (VCV000540001.7), dbSNP rs1554753670, ClinGen allele CA374964715.
Genomic context (GRCh38, chr9:127,457,394, plus strand): 5'-AATCACCTCACTTCCCTGCTTCCCAAATCCTGCAGCCTCCTGAGTCTGGCAACCATCAAG[G>A]TACTGGGCCCTCCTCCCAGGCAGCTGGGGCTCTGCATGGGGTTCCACGCGGCAGCTGAGC-3'

ClinVar aggregate classification (germline): Likely pathogenic (1 of 4 stars; one submission).

Conditions:
Charcot-Marie-Tooth disease axonal type 2P. Also called: CHARCOT-MARIE-TOOTH NEUROPATHY, TYPE 2P; CHARCOT-MARIE-TOOTH DISEASE, AXONAL, TYPE 2G; CMT 2G; Charcot-Marie-Tooth Neuropathy Type 2G. Identifiers: Orphanet 300319, Orphanet 99941, MedGen C3280797, MONDO:0013753, OMIM 614436.

Submission:

Labcorp Genetics (formerly Invitae), Labcorp
Classification: Likely pathogenic for Charcot-Marie-Tooth disease axonal type 2P. Last evaluated: 2022-09-19. Review status: criteria provided, single submitter. Criteria: Invitae Variant Classification Sherloc (09022015). Collection method: clinical testing. Allele origin: germline.
Comment: In summary, the currently available evidence indicates that the variant is pathogenic, but additional data are needed to prove that conclusively. Therefore, this variant has been classified as Likely Pathogenic. Algorithms developed to predict the effect of sequence changes on RNA splicing suggest that this variant may disrupt the consensus splice site. ClinVar contains an entry for this variant (Variation ID: 540001). This variant has not been reported in the literature in individuals affected with LRSAM1-related conditions. This variant is not present in population databases (gnomAD no frequency). This sequence change affects a donor splice site in intron 5 of the LRSAM1 gene. It is expected to disrupt RNA splicing. Variants that disrupt the donor or acceptor splice site typically lead to a loss of protein function (PMID: 16199547), and loss-of-function variants in LRSAM1 are known to be pathogenic (PMID: 20865121, 33414056).

Literature cited by the submitters: PubMed 16199547; PubMed 20865121; PubMed 33414056.